The following is an entry in ClinVar:

ClinVar aggregate classification (germline): Uncertain significance (1 of 4 stars; one submission).

Conditions:
Inborn genetic diseases. Identifiers: MedGen C0950123, MeSH D030342.

gnomAD v4.1: 4 of 1,613,954 alleles (0.00025%); highest among the groups gnomAD compares: Admixed American, 0.005%; no homozygotes.

Submission:

Ambry Genetics
Classification: Uncertain significance for Inborn genetic diseases. Last evaluated: 2025-12-04. Review status: criteria provided, single submitter. Criteria: Ambry Variant Classification Scheme 2023. Collection method: clinical testing. Allele origin: germline.
Comment: The c.1774T>A (p.S592T) alteration is located in exon 10 (coding exon 10) of the ATP2B1 gene. This alteration results from a T to A substitution at nucleotide position 1774, causing the serine (S) at amino acid position 592 to be replaced by a threonine (T). Based on data from gnomAD, the A allele has an overall frequency of <0.001% (1/251068) total alleles studied. The highest observed frequency was 0.003% (1/34570) of Latino alleles. Based on insufficient or conflicting evidence, the clinical significance of this alteration remains unclear.

NM_001366521.1(ATP2B1):c.1774T>A (p.Ser592Thr)

Gene: ATP2B1 (ATPase plasma membrane Ca2+ transporting 1; minus strand). Cytogenetic location: 12q21.33.
Variant type: single nucleotide variant.
Coding change: c.1774T>A on transcript NM_001366521.1 (MANE Select); coding-DNA position 1774, T replaced by A.
Protein change: p.Ser592Thr; replaces serine 592 with threonine.
Molecular consequence: missense variant. On other transcripts: non-coding transcript variant (3).
Genome position (GRCh38, 1-based): chr12:89,620,054, A>T on the plus strand (T>A on the coding strand, the complement: ATP2B1 is on the minus strand). VCF-style: chr12-89620054-A-T. GRCh37 (hg19) VCF-style: chr12-90013831-A-T.
Other names: c.1774T>A, p.Ser592Thr (NM_001001323.2, NM_001366520.1, NM_001366522.1 and 12 more transcripts); c.1576T>A, p.Ser526Thr (NM_001366530.1, NM_001413053.1); c.1213T>A, p.Ser405Thr (NM_001366531.1, NM_001366532.1, NM_001413058.1 and 2 more transcripts); c.1735T>A, p.Ser579Thr (NM_001413048.1); c.1633T>A, p.Ser545Thr (NM_001413051.1, NM_001413052.1, NM_001413055.1); c.1531T>A, p.Ser511Thr (NM_001413054.1); c.1519T>A, p.Ser507Thr (NM_001413056.1); c.1321T>A, p.Ser441Thr (NM_001413057.1); short protein forms S507T, S511T, S441T, S526T, S545T, S579T, S405T, S592T.
Identifiers: ClinVar variation 4591017 (VCV004591017.1).